The following is an entry in ClinVar:

NM_020987.5(ANK3):c.12395C>A (p.Ser4132Tyr)

Gene: ANK3 (ankyrin 3; minus strand). Cytogenetic location: 10q21.2.
Variant type: single nucleotide variant.
Coding change: c.12395C>A on transcript NM_020987.5 (MANE Select); coding-DNA position 12395, C replaced by A.
Protein change: p.Ser4132Tyr; replaces serine 4132 with tyrosine.
Molecular consequence: missense variant.
Genome position (GRCh38, 1-based): chr10:60,064,213, G>T on the plus strand (C>A on the coding strand, the complement: ANK3 is on the minus strand). VCF-style: chr10-60064213-G-T. GRCh37 (hg19) VCF-style: chr10-61823971-G-T.
Other names: c.1958C>A, p.Ser653Tyr (NM_001149.4); c.4538C>A, p.Ser1513Tyr (NM_001204403.2); c.4559C>A, p.Ser1520Tyr (NM_001204404.2); c.4556C>A, p.Ser1519Tyr (NM_001320874.2); short protein forms S1519Y, S1513Y, S1520Y, S4132Y, S653Y.
Identifiers: ClinVar variation 3731251 (VCV003731251.1).

ClinVar aggregate classification (germline): Uncertain significance (1 of 4 stars; one submission).

gnomAD v4.1: 1 of 1,581,768 alleles (0.000063%); highest among the groups gnomAD compares: Non-Finnish European, 0.000085%; no homozygotes.

Submission:

GeneDx
Classification: Uncertain significance. Last evaluated: 2024-08-15. Review status: criteria provided, single submitter. Criteria: GeneDx Variant Classification Process June 2021. Collection method: clinical testing. Allele origin: germline. Affected: yes.
Comment: Not observed at significant frequency in large population cohorts (gnomAD); In silico analysis supports that this missense variant has a deleterious effect on protein structure/function; Has not been previously published as pathogenic or benign to our knowledge